The following is an entry in ClinVar:

NM_000548.5(TSC2):c.436C>T (p.Leu146Phe)

Gene: TSC2 (TSC complex subunit 2; plus strand). Cytogenetic location: 16p13.3.
Variant type: single nucleotide variant.
Coding change: c.436C>T on transcript NM_000548.5 (MANE Select); coding-DNA position 436, C replaced by T.
Protein change: p.Leu146Phe; replaces leucine 146 with phenylalanine.
Molecular consequence: missense variant. On other transcripts: intron variant (1).
Genome position (GRCh38, 1-based): chr16:2,054,395, C>T. VCF-style: chr16-2054395-C-T. GRCh37 (hg19) VCF-style: chr16-2104396-C-T.
Other names: c.436C>T, p.Leu146Phe (NM_001077183.3, NM_001114382.3, NM_001363528.2 and 3 more transcripts); c.325C>T, p.Leu109Phe (NM_001318827.2); c.289C>T, p.Leu97Phe (NM_001318829.2); c.469C>T, p.Leu157Phe (NM_001318832.2); c.-1-1801C>T (NM_001318831.2); short protein forms L97F, L109F, L157F, L146F.
Identifiers: ClinVar variation 1386898 (VCV001386898.10), dbSNP rs997604465, ClinGen allele CA276771537.

ClinVar aggregate classification (germline): Uncertain significance. Review status: criteria provided, multiple submitters, no conflicts (2 of 4 stars). 2 submissions from 2 submitters: Uncertain significance (2). Last evaluated 2025-07-06.

Conditions:
Hereditary cancer-predisposing syndrome. Also called: Tumor predisposition; Hereditary neoplastic syndrome; Neoplastic Syndromes, Hereditary; Hereditary Cancer Syndrome. Identifiers: Orphanet 140162, MedGen C0027672, MeSH D009386, MONDO:0015356.
Tuberous sclerosis 2 (TSC2). Identifiers: Orphanet 805, MedGen C1860707, MONDO:0013199, OMIM 613254.

Submissions (2):

Labcorp Genetics (formerly Invitae), Labcorp
Classification: Uncertain significance for Tuberous sclerosis 2. Last evaluated: 2025-07-06. Review status: criteria provided, single submitter. Criteria: Invitae Variant Classification Sherloc (09022015). Collection method: clinical testing. Allele origin: germline.
Comment: This sequence change replaces leucine, which is neutral and non-polar, with phenylalanine, which is neutral and non-polar, at codon 146 of the TSC2 protein (p.Leu146Phe). This variant is not present in population databases (gnomAD no frequency). This variant has not been reported in the literature in individuals affected with TSC2-related conditions. ClinVar contains an entry for this variant (Variation ID: 1386898). Invitae Evidence Modeling of protein sequence and biophysical properties (such as structural, functional, and spatial information, amino acid conservation, physicochemical variation, residue mobility, and thermodynamic stability) indicates that this missense variant is not expected to disrupt TSC2 protein function with a negative predictive value of 95%. In summary, the available evidence is currently insufficient to determine the role of this variant in disease. Therefore, it has been classified as a Variant of Uncertain Significance.

Ambry Genetics
Classification: Uncertain significance for Hereditary cancer-predisposing syndrome. Last evaluated: 2024-11-08. Review status: criteria provided, single submitter. Criteria: Ambry Variant Classification Scheme 2023. Collection method: clinical testing. Allele origin: germline.
Comment: The p.L146F variant (also known as c.436C>T), located in coding exon 4 of the TSC2 gene, results from a C to T substitution at nucleotide position 436. The leucine at codon 146 is replaced by phenylalanine, an amino acid with highly similar properties. This amino acid position is highly conserved in available vertebrate species. In addition, this alteration is predicted to be deleterious by in silico analysis. Based on the available evidence, the clinical significance of this variant remains unclear.